The following is an entry in ClinVar:

ClinVar aggregate classification (germline): Uncertain significance (1 of 4 stars; one submission).

Conditions:
Neurodevelopmental disorder with speech impairment and dysmorphic facies. Identifiers: MedGen C5436699, MONDO:0033630, OMIM 619056.

Submission:

Institute of Immunology and Genetics Kaiserslautern
Classification: Uncertain significance for Neurodevelopmental disorder with speech impairment and dysmorphic facies. Last evaluated: 2025-11-10. Review status: criteria provided, single submitter. Criteria: ACMG Guidelines, 2015. Collection method: clinical testing. Allele origin: germline. Affected: yes.
Comment: ACMG Criteria: PM2_P, PM4; Variant was found in heterozygous state.

NM_014712.3(SETD1A):c.4135AGC[3] (p.Ser1382_Ser1383del)

Gene: SETD1A (SET domain containing 1A, histone lysine methyltransferase; plus strand). Cytogenetic location: 16p11.2.
Variant type: Microsatellite.
Coding change: c.4135AGC[3] on transcript NM_014712.3 (MANE Select); three copies in a row of the 3-base unit AGC starting at c.4135; the reference has five copies in a row; two copies, 6 bases deleted; also written c.4144_4149del.
Protein change: p.Ser1382_Ser1383del.
Genome position (GRCh38, 1-based): chr16:30,979,930-30,979,935, AGCAGC deleted; deleting any 6 consecutive bases within chr16:30,979,920-30,979,935 gives the same sequence; the position shown is the placement nearest the transcript's 3' end. VCF-style (leftmost placement, unchanged base first): chr16-30979919-ACAGCAG-A. GRCh37 (hg19) VCF-style: chr16-30991240-ACAGCAG-A.
Other names: c.4144_4149del (NM_014712.3).
Identifiers: ClinVar variation 4851443 (VCV004851443.1).